The following is an entry in ClinVar:

ClinVar aggregate classification (germline): Uncertain significance. Review status: criteria provided, multiple submitters, no conflicts (2 of 4 stars). 2 submissions from 2 submitters: Uncertain significance (2). Last evaluated 2025-07-19.

Conditions:
Hereditary cancer-predisposing syndrome. Also called: Tumor predisposition; Hereditary Cancer Syndrome; Hereditary neoplastic syndrome; Neoplastic Syndromes, Hereditary. Identifiers: Orphanet 140162, MedGen C0027672, MeSH D009386, MONDO:0015356.
Hereditary nonpolyposis colorectal neoplasms. Identifiers: MedGen C0009405, MeSH D003123.

Allele frequency attached by ClinVar (database versions not stated): gnomAD exomes below 0.00001.

Submissions (2):

Labcorp Genetics (formerly Invitae), Labcorp
Classification: Uncertain significance for Hereditary nonpolyposis colorectal neoplasms. Last evaluated: 2025-07-19. Review status: criteria provided, single submitter. Criteria: Invitae Variant Classification Sherloc (09022015). Collection method: clinical testing. Allele origin: germline.
Comment: This sequence change replaces arginine, which is basic and polar, with leucine, which is neutral and non-polar, at codon 799 of the PMS2 protein (p.Arg799Leu). The frequency data for this variant in the population databases (gnomAD) is considered unreliable due to the presence of homologous sequence, such as pseudogenes or paralogs, in the genome. This variant has not been reported in the literature in individuals affected with PMS2-related conditions. ClinVar contains an entry for this variant (Variation ID: 2624751). Invitae Evidence Modeling of protein sequence and biophysical properties (such as structural, functional, and spatial information, amino acid conservation, physicochemical variation, residue mobility, and thermodynamic stability) indicates that this missense variant is expected to disrupt PMS2 protein function with a positive predictive value of 80%. In summary, the available evidence is currently insufficient to determine the role of this variant in disease. Therefore, it has been classified as a Variant of Uncertain Significance.

Ambry Genetics
Classification: Uncertain significance for Hereditary cancer-predisposing syndrome. Last evaluated: 2023-08-29. Review status: criteria provided, single submitter. Criteria: Ambry Variant Classification Scheme 2023. Collection method: clinical testing. Allele origin: germline.
Comment: The p.R799L variant (also known as c.2396G>T), located in coding exon 14 of the PMS2 gene, results from a G to T substitution at nucleotide position 2396. The arginine at codon 799 is replaced by leucine, an amino acid with dissimilar properties. This amino acid position is conserved. In addition, this alteration is predicted to be deleterious by in silico analysis. Since supporting evidence is limited at this time, the clinical significance of this alteration remains unclear.

NM_000535.7(PMS2):c.2396G>T (p.Arg799Leu)

Gene: PMS2 (PMS1 homolog 2, mismatch repair system component; minus strand). Cytogenetic location: 7p22.1.
Variant type: single nucleotide variant.
Coding change: c.2396G>T on transcript NM_000535.7 (MANE Select); coding-DNA position 2396, G replaced by T.
Protein change: p.Arg799Leu; replaces arginine 799 with leucine.
Molecular consequence: missense variant. On other transcripts: non-coding transcript variant (1).
Genome position (GRCh38, 1-based): chr7:5,977,637, C>A on the plus strand (G>T on the coding strand, the complement: PMS2 is on the minus strand). VCF-style: chr7-5977637-C-A. GRCh37 (hg19) VCF-style: chr7-6017268-C-A.
Other names: c.1991G>T, p.Arg664Leu (NM_001018040.1, NM_001322003.2, NM_001322004.2 and 12 more transcripts); c.2240G>T, p.Arg747Leu (NM_001322006.2); c.2078G>T, p.Arg693Leu (NM_001322007.2, NM_001322008.2, NM_001406883.1); c.2024G>T, p.Arg675Leu (NM_001322009.2, NM_001406887.1, NM_001406888.1); c.1835G>T, p.Arg612Leu (NM_001322010.2, NM_001406906.1, NM_001406907.1); c.1463G>T, p.Arg488Leu (NM_001322011.2, NM_001322012.2); c.1823G>T, p.Arg608Leu (NM_001322013.2, NM_001406908.1, NM_001406909.1); c.2429G>T, p.Arg810Leu (NM_001322014.2); and 20 more; short protein forms R637L, R644L, R664L, R696L, R542L, R641L, R691L, R751L.
Identifiers: ClinVar variation 2624751 (VCV002624751.3), dbSNP rs587780055, ClinGen allele CA366735696.